The following is an entry in ClinVar:

ClinVar aggregate classification (germline): Likely benign (1 of 4 stars; one submission).

gnomAD v4.1: 1 of 1,613,958 alleles (0.000062%); highest among the groups gnomAD compares: South Asian, 0.0011%; no homozygotes.

Submission:

CeGaT Center for Human Genetics Tuebingen
Classification: Likely benign. Last evaluated: 2025-09-01. Review status: criteria provided, single submitter. Criteria: CeGaT Center For Human Genetics Tuebingen Variant Classification Criteria Version 2. Collection method: clinical testing. Allele origin: germline. Affected: yes. Observed: 1 variant allele.
Comment: KMT2C: BP4, BP7

NM_170606.3(KMT2C):c.918T>C (p.Tyr306=)

Gene: KMT2C (lysine methyltransferase 2C; minus strand). Cytogenetic location: 7q36.1.
Variant type: single nucleotide variant.
Coding change: c.918T>C on transcript NM_170606.3 (MANE Select); coding-DNA position 918, T replaced by C.
Protein change: p.Tyr306=; no amino-acid change (tyrosine 306 retained).
Molecular consequence: synonymous variant.
Genome position (GRCh38, 1-based): chr7:152,273,799, A>G on the plus strand (T>C on the coding strand, the complement: KMT2C is on the minus strand). VCF-style: chr7-152273799-A-G. GRCh37 (hg19) VCF-style: chr7-151970884-A-G.
Identifiers: ClinVar variation 4281206 (VCV004281206.7).
Genomic context (GRCh38, chr7:152,273,799, plus strand): 5'-AAGCAGGAAGATGTGACTGAAATCCTGAAAGGTGCCGGCTCCTGCAGCACAAGGATAATG[A>G]TACATCTGGGTACATTTCTCTTCACAGCATTTGATAGTGGCTCCAAGGTGCTTACAAAAT-3'
Protein context (NP_733751.2, residues 296-316): KCCEEKCTQM[Tyr306=]HYPCAAGAGT